The following is an entry in ClinVar:

ClinVar aggregate classification (germline): Uncertain significance. Review status: criteria provided, multiple submitters, no conflicts (2 of 4 stars). 2 submissions from 2 submitters: Uncertain significance (2). Last evaluated 2025-08-28.

Conditions:
Inborn genetic diseases. Identifiers: MedGen C0950123, MeSH D030342.

gnomAD v4.1: 21 of 1,611,560 alleles (0.0013%); highest among the groups gnomAD compares: South Asian, 0.0088%; 1 homozygote.

Submissions (2):

Ambry Genetics
Classification: Uncertain significance for Inborn genetic diseases. Last evaluated: 2025-08-28. Review status: criteria provided, single submitter. Criteria: Ambry Variant Classification Scheme 2023. Collection method: clinical testing. Allele origin: germline.

Women's Health and Genetics/Laboratory Corporation of America, LabCorp
Classification: Uncertain significance. Last evaluated: 2025-05-06. Review status: criteria provided, single submitter. Criteria: LabCorp Variant Classification Summary - May 2015. Collection method: clinical testing. Allele origin: germline.
Comment: Variant summary: CCDC88C c.4466G>A (p.Arg1489Gln) results in a conservative amino acid change in the encoded protein sequence. Algorithms developed to predict the effect of missense changes on protein structure and function are either unavailable or do not agree on the potential impact of this missense change. The variant allele was found at a frequency of 1.6e-05 in 242856 control chromosomes. The available data on variant occurrences in the general population are insufficient to allow any conclusion about variant significance. To our knowledge, no occurrence of c.4466G>A in individuals affected with CCDC88C-Related Disorders and no experimental evidence demonstrating its impact on protein function have been reported. No submitters have cited clinical-significance assessments for this variant to ClinVar. Based on the evidence outlined above, the variant was classified as uncertain significance.

NM_001080414.4(CCDC88C):c.4466G>A (p.Arg1489Gln)

Gene: CCDC88C (coiled-coil and HOOK domain protein 88C; minus strand). Cytogenetic location: 14q32.11.
Variant type: single nucleotide variant.
Coding change: c.4466G>A on transcript NM_001080414.4 (MANE Select); coding-DNA position 4466, G replaced by A.
Protein change: p.Arg1489Gln; replaces arginine 1489 with glutamine.
Molecular consequence: missense variant. On other transcripts: non-coding transcript variant (2).
Genome position (GRCh38, 1-based): chr14:91,283,493, C>T on the plus strand (G>A on the coding strand, the complement: CCDC88C is on the minus strand). VCF-style: chr14-91283493-C-T. GRCh37 (hg19) VCF-style: chr14-91749837-C-T.
Other names: c.4466G>A (NM_001080414.3); short protein forms R1489Q.
Identifiers: ClinVar variation 3902474 (VCV003902474.2).
Genomic context (GRCh38, chr14:91,283,493, plus strand): 5'-CTCATGGCCAGATCGGTGGAGGCATCTGTGCGGTCAAGGCTGCCTCTGTGTGGGGAGCCT[C>T]GCTTTGGTTTTAGATCCCCAGGGCCTGAGGCAGAAGAGGACATTGAGAAATGAGGCTGCC-3'
Protein context (NP_001073883.2, residues 1479-1499): GKGPGDLKPK[Arg1489Gln]GSPHRGSLDR